The following is an entry in ClinVar:

ClinVar aggregate classification (germline): Likely pathogenic (1 of 4 stars; one submission).

Conditions:
Infantile cerebral and cerebellar atrophy with postnatal progressive microcephaly (MSBA). Identifiers: Orphanet 402364, MedGen C3150921, MONDO:0013351, OMIM 613668.

Submission:

Natera, Inc.
Classification: Likely pathogenic for Postnatal progressive microcephaly with seizures and brain atrophy. Last evaluated: 2025-04-21. Review status: criteria provided, single submitter. Criteria: Natera Variant Classification Schema (03/2026). Collection method: clinical testing. Allele origin: germline.
Comment: The c.1612C>T variant in MED17 is a nonsense variant predicted to introduce a stop codon at amino acid 538. This variant is expected to result in nonsense mediated decay, truncation, or a dysfunctional protein product. This variant is rare in the general population with a frequency below the threshold expected for the associated phenotype(s). Given the available evidence, this variant is classified as Likely Pathogenic.

NM_004268.5(MED17):c.1612C>T (p.Gln538Ter)

Gene: MED17 (mediator complex subunit 17; plus strand). Cytogenetic location: 11q21.
Variant type: single nucleotide variant.
Coding change: c.1612C>T on transcript NM_004268.5 (MANE Select); coding-DNA position 1612, C replaced by T.
Protein change: p.Gln538Ter; replaces glutamine 538 with a stop codon.
Molecular consequence: nonsense.
Genome position (GRCh38, 1-based): chr11:93,809,744, C>T. VCF-style: chr11-93809744-C-T. GRCh37 (hg19) VCF-style: chr11-93542910-C-T.
Other names: short protein forms Q538*.
Identifiers: ClinVar variation 4815332 (VCV004815332.1).